The following is an entry in ClinVar:

ClinVar aggregate classification (germline): Uncertain significance. Review status: criteria provided, multiple submitters, no conflicts (2 of 4 stars). 2 submissions from 2 submitters: Uncertain significance (2). Last evaluated 2025-12-30.

Conditions:
Inborn genetic diseases. Identifiers: MedGen C0950123, MeSH D030342.

Allele frequency attached by ClinVar (database versions not stated): gnomAD exomes 0.00001 and 0.00005; ExAC 0.00004; gnomAD 0.00013 and 0.00014; TOPMed 0.00016.
gnomAD v4.1: 39 of 1,614,146 alleles (0.0024%); highest among the groups gnomAD compares: African/African-American, 0.031%; no homozygotes.

Submissions (2):

Labcorp Genetics (formerly Invitae), Labcorp
Classification: Uncertain significance. Last evaluated: 2025-12-30. Review status: criteria provided, single submitter. Criteria: Invitae Variant Classification Sherloc (09022015). Collection method: clinical testing. Allele origin: germline.
Comment: This sequence change replaces arginine, which is basic and polar, with tryptophan, which is neutral and slightly polar, at codon 680 of the EMC1 protein (p.Arg680Trp). This variant is present in population databases (rs748488738, gnomAD 0.06%). This variant has not been reported in the literature in individuals affected with EMC1-related conditions. ClinVar contains an entry for this variant (Variation ID: 1057728). Invitae Evidence Modeling of protein sequence and biophysical properties (such as structural, functional, and spatial information, amino acid conservation, physicochemical variation, residue mobility, and thermodynamic stability) has been performed for this missense variant. However, the output from this modeling did not meet the statistical confidence thresholds required to predict the impact of this variant on EMC1 protein function. In summary, the available evidence is currently insufficient to determine the role of this variant in disease. Therefore, it has been classified as a Variant of Uncertain Significance.

Ambry Genetics
Classification: Uncertain significance for Inborn genetic diseases. Last evaluated: 2024-05-08. Review status: criteria provided, single submitter. Criteria: Ambry Variant Classification Scheme 2023. Collection method: clinical testing. Allele origin: germline.

NM_015047.3(EMC1):c.2038C>T (p.Arg680Trp)

Genes: EMC1 (ER membrane protein complex subunit 1; minus strand), EMC1-AS1 (EMC1 antisense RNA 1; plus strand). Cytogenetic location: 1p36.13.
Variant type: single nucleotide variant.
Coding change: c.2038C>T on transcript NM_015047.3 (MANE Select); coding-DNA position 2038, C replaced by T.
Protein change: p.Arg680Trp; replaces arginine 680 with tryptophan.
Molecular consequence: missense variant.
Genome position (GRCh38, 1-based): chr1:19,230,870, G>A on the plus strand (C>T on the coding strand, the complement: EMC1 is on the minus strand). VCF-style: chr1-19230870-G-A. GRCh37 (hg19) VCF-style: chr1-19557364-G-A.
Other names: c.2035C>T, p.Arg679Trp (NM_001271427.2, NM_001271428.2); c.1972C>T, p.Arg658Trp (NM_001271429.2); c.2047C>T, p.Arg683Trp (NM_001375820.1); c.2044C>T, p.Arg682Trp (NM_001375821.1); c.2038C>T (NM_015047.1); short protein forms R658W, R679W, R680W, R682W, R683W.
Identifiers: ClinVar variation 1057728 (VCV001057728.10), dbSNP rs748488738, ClinGen allele CA652425.